The following is an entry in ClinVar:

ClinVar aggregate classification (germline): Pathogenic. Review status: criteria provided, multiple submitters, no conflicts (2 of 4 stars). 3 submissions from 3 submitters: Pathogenic (2). 1 of the submissions does not count toward it. Last evaluated 2021-03-01.

Conditions:
Familial thoracic aortic aneurysm and aortic dissection (TAAD). Also called: Thoracic aortic aneurysms and dissections. Identifiers: Orphanet 91387, MedGen C4707243, MONDO:0019625.
Marfan syndrome (MFS). Also called: FBN1-Related Marfan Syndrome; Marfan syndrome type 1; Marfan's syndrome; Marfan syndrome, classic; MARFAN SYNDROME, TYPE I. Identifiers: Orphanet 284963, Orphanet 558, MedGen C0024796, MONDO:0007947, OMIM 154700.

Submissions (3):

Centre of Medical Genetics, University of Antwerp
Classification: Pathogenic for Marfan syndrome. Last evaluated: 2021-03-01. Review status: criteria provided, single submitter. Criteria: Submitter's publication. Collection method: research. Allele origin: unknown. Affected: yes.
Comment: PM2, PVS1, PP4

Labcorp Genetics (formerly Invitae), Labcorp
Classification: Pathogenic for Marfan syndrome; Familial thoracic aortic aneurysm and aortic dissection. Last evaluated: 2018-08-03. Review status: criteria provided, single submitter. Criteria: Invitae Variant Classification Sherloc (09022015). Collection method: clinical testing. Allele origin: germline.
Comment: This sequence change creates a premature translational stop signal (p.Tyr2113*) in the FBN1 gene. It is expected to result in an absent or disrupted protein product. This variant is not present in population databases (ExAC no frequency). This variant has been reported to be de novo in an individual affected with Marfan syndrome (PMID: 8430317). ClinVar contains an entry for this variant (Variation ID: 16430). Loss-of-function variants in FBN1 are known to be pathogenic (PMID: 17657824, 19293843). For these reasons, this variant has been classified as Pathogenic.

OMIM
Classification: Pathogenic for MARFAN SYNDROME. Last evaluated: 2002-07-15. Review status: no assertion criteria provided. Collection method: literature only. Allele origin: germline. Not counted in ClinVar's aggregate classification.

Literature cited by the submitters: PubMed 8430317 (cited by Labcorp Genetics (formerly Invitae), Labcorp); PubMed 17657824 (cited by Labcorp Genetics (formerly Invitae), Labcorp); PubMed 19293843 (cited by Labcorp Genetics (formerly Invitae), Labcorp); Dietz, H. C. Personal Communication. 2014. Baltimore, Md. (cited by OMIM); PubMed 8406497 (cited by OMIM); PubMed 12130535 (cited by OMIM); PubMed 12130534 (cited by OMIM).

NM_000138.5(FBN1):c.6339T>G (p.Tyr2113Ter)

Gene: FBN1 (fibrillin 1; minus strand). Cytogenetic location: 15q21.1.
Variant type: single nucleotide variant.
Coding change: c.6339T>G on transcript NM_000138.5 (MANE Select); coding-DNA position 6339, T replaced by G.
Protein change: p.Tyr2113Ter; replaces tyrosine 2113 with a stop codon.
Molecular consequence: nonsense.
Genome position (GRCh38, 1-based): chr15:48,437,362, A>C on the plus strand (T>G on the coding strand, the complement: FBN1 is on the minus strand). VCF-style: chr15-48437362-A-C. GRCh37 (hg19) VCF-style: chr15-48729559-A-C.
Other names: FBN1, TYR2113TER, EX51DEL; short protein forms Y2113*.
Identifiers: ClinVar variation 16430 (VCV000016430.25), dbSNP rs267606797, ClinGen allele CA016342.